The following is an entry in ClinVar:

ClinVar aggregate classification (germline): Uncertain significance (1 of 4 stars; one submission).

Allele frequency attached by ClinVar (database versions not stated): TOPMed 0.00001; gnomAD exomes below 0.00001; gnomAD 0.00001.
gnomAD v4.1: 2 of 1,611,260 alleles (0.00012%); highest among the groups gnomAD compares: Non-Finnish European, 0.00017%; no homozygotes.

Submission:

GeneDx
Classification: Uncertain significance. Last evaluated: 2024-03-21. Review status: criteria provided, single submitter. Criteria: GeneDx Variant Classification Process June 2021. Collection method: clinical testing. Allele origin: germline.
Comment: Not observed at significant frequency in large population cohorts (gnomAD); In silico analysis supports that this missense variant has a deleterious effect on protein structure/function; Has not been previously published as pathogenic or benign to our knowledge

NM_018896.5(CACNA1G):c.1163A>G (p.Asn388Ser)

Gene: CACNA1G (calcium voltage-gated channel subunit alpha1 G; plus strand). Cytogenetic location: 17q21.33.
Variant type: single nucleotide variant.
Coding change: c.1163A>G on transcript NM_018896.5 (MANE Select); coding-DNA position 1163, A replaced by G.
Protein change: p.Asn388Ser; replaces asparagine 388 with serine.
Molecular consequence: missense variant. On other transcripts: non-coding transcript variant (5).
Genome position (GRCh38, 1-based): chr17:50,575,565, A>G. VCF-style: chr17-50575565-A-G. GRCh37 (hg19) VCF-style: chr17-48652926-A-G.
Other names: c.1163A>G, p.Asn388Ser (NM_001256324.2, NM_001256325.2, NM_001256326.2 and 24 more transcripts); short protein forms N388S.
Identifiers: ClinVar variation 2577647 (VCV002577647.2), dbSNP rs2040474919, ClinGen allele CA400234610.